The following is an entry in ClinVar:

NM_133433.4(NIPBL):c.5760C>A (p.His1920Gln)

Gene: NIPBL (NIPBL cohesin loading factor; plus strand). Cytogenetic location: 5p13.2.
Variant type: single nucleotide variant.
Coding change: c.5760C>A on transcript NM_133433.4 (MANE Select); coding-DNA position 5760, C replaced by A.
Protein change: p.His1920Gln; replaces histidine 1920 with glutamine.
Molecular consequence: missense variant.
Genome position (GRCh38, 1-based): chr5:37,026,279, C>A. VCF-style: chr5-37026279-C-A. GRCh37 (hg19) VCF-style: chr5-37026381-C-A.
Other names: c.5760C>A, p.His1920Gln (NM_001438586.1, NM_015384.5); short protein forms H1920Q.
Identifiers: ClinVar variation 4681115 (VCV004681115.1).
Genomic context (GRCh38, chr5:37,026,279, plus strand): 5'-TTCCTTCTAGAAATTAGTAAATGAAACATTCCAGAAACTCTGGTTTACTCCAACTCCACA[C>A]AATGACAAAGAAGCAATGACAAGGAAAATTTTAAACATTACCGATGTGGTAAGAAGGACT-3'
Protein context (NP_597677.2, residues 1910-1930): FQKLWFTPTP[His1920Gln]NDKEAMTRKI

ClinVar aggregate classification (germline): Uncertain significance (1 of 4 stars; one submission).

Submission:

GeneDx
Classification: Uncertain significance. Last evaluated: 2025-06-30. Review status: criteria provided, single submitter. Criteria: GeneDx Variant Classification Process June 2021. Collection method: clinical testing. Allele origin: germline. Affected: yes.
Comment: Not observed at significant frequency in large population cohorts (gnomAD); In silico analysis suggests that this missense variant does not alter protein structure/function; Has not been previously published as pathogenic or benign to our knowledge